The following is an entry in ClinVar:

NM_003848.4(SUCLG2):c.346C>T (p.Leu116=)

Gene: SUCLG2 (succinate-CoA ligase GDP-forming subunit beta; minus strand). Cytogenetic location: 3p14.1.
Variant type: single nucleotide variant.
Coding change: c.346C>T on transcript NM_003848.4 (MANE Select); coding-DNA position 346, C replaced by T.
Protein change: p.Leu116=; no amino-acid change (leucine 116 retained).
Molecular consequence: synonymous variant.
Genome position (GRCh38, 1-based): chr3:67,528,203, G>A on the plus strand (C>T on the coding strand, the complement: SUCLG2 is on the minus strand). VCF-style: chr3-67528203-G-A. GRCh37 (hg19) VCF-style: chr3-67578627-G-A.
Other names: c.346C>T, p.Leu116= (NM_001177599.2).
Identifiers: ClinVar variation 3040356 (VCV003040356.4), dbSNP rs184314579, ClinGen allele CA2486055.

ClinVar aggregate classification (germline): Benign. Review status: criteria provided, single submitter (1 of 4 stars). 2 submissions from 2 submitters: Benign (1). 1 of the submissions does not count toward it. Last evaluated 2025-08-18.

Conditions:
SUCLG2-related disorder. Also called: SUCLG2-related condition.

Allele frequency attached by ClinVar (database versions not stated): 1000 Genomes Project 0.00080; 1000 Genomes Project 30x 0.00094; ESP Exome Variant Server 0.00008; gnomAD 0.00021; ExAC 0.00028; gnomAD exomes 0.00029; TOPMed 0.00012.
gnomAD v4.1: 445 of 1,613,782 alleles (0.028%); highest among the groups gnomAD compares: East Asian, 0.89%; 2 homozygotes.

Submissions (2):

Labcorp Genetics (formerly Invitae), Labcorp
Classification: Benign. Last evaluated: 2025-08-18. Review status: criteria provided, single submitter. Criteria: Invitae Variant Classification Sherloc (09022015). Collection method: clinical testing. Allele origin: germline.

PreventionGenetics, part of Exact Sciences
Classification: Likely benign for SUCLG2-related condition. Last evaluated: 2019-09-10. Review status: no assertion criteria provided. Collection method: clinical testing. Allele origin: germline. Not counted in ClinVar's aggregate classification.
Comment: This variant is classified as likely benign based on ACMG/AMP sequence variant interpretation guidelines (Richards et al. 2015 PMID: 25741868, with internal and published modifications).